The following is an entry in ClinVar:

NM_000038.6(APC):c.5071C>A (p.Pro1691Thr)

Gene: APC (APC regulator of Wnt signaling pathway; plus strand). Cytogenetic location: 5q22.2.
Variant type: single nucleotide variant.
Coding change: c.5071C>A on transcript NM_000038.6 (MANE Select); coding-DNA position 5071, C replaced by A.
Protein change: p.Pro1691Thr; replaces proline 1691 with threonine.
Molecular consequence: missense variant.
Genome position (GRCh38, 1-based): chr5:112,840,665, C>A. VCF-style: chr5-112840665-C-A. GRCh37 (hg19) VCF-style: chr5-112176362-C-A.
Other names: c.5071C>A, p.Pro1691Thr (NM_001127510.3, NM_001354895.2); c.5017C>A, p.Pro1673Thr (NM_001127511.3); c.5125C>A, p.Pro1709Thr (NM_001354896.2); c.5101C>A, p.Pro1701Thr (NM_001354897.2); c.4996C>A, p.Pro1666Thr (NM_001354898.2); c.4987C>A, p.Pro1663Thr (NM_001354899.2); c.4948C>A, p.Pro1650Thr (NM_001354900.2); c.4894C>A, p.Pro1632Thr (NM_001354901.2); and 5 more; short protein forms P1673T, P1691T, P1408T, P1565T, P1531T, P1650T, P1666T, P1600T.
Identifiers: ClinVar variation 419787 (VCV000419787.23), dbSNP rs1064794106, ClinGen allele CA16032418.

ClinVar aggregate classification (germline): Uncertain significance. Review status: criteria provided, multiple submitters, no conflicts (2 of 4 stars). 5 submissions from 5 submitters: Uncertain significance (5). Last evaluated 2025-12-10.

Conditions:
Hereditary cancer-predisposing syndrome. Also called: Hereditary neoplastic syndrome; Tumor predisposition; Neoplastic Syndromes, Hereditary; Hereditary Cancer Syndrome. Identifiers: Orphanet 140162, MedGen C0027672, MeSH D009386, MONDO:0015356.
Familial adenomatous polyposis 1 (FAP1). Also called: FAMILIAL ADENOMATOUS POLYPOSIS 1, ATTENUATED; POLYPOSIS, ADENOMATOUS INTESTINAL. Identifiers: MedGen C2713442, MONDO:0021056, OMIM 175100. Disease mechanism: loss of function.

gnomAD v4.1: 5 of 1,613,932 alleles (0.00031%); highest among the groups gnomAD compares: Non-Finnish European, 0.00042%; no homozygotes.

Submissions (5):

Labcorp Genetics (formerly Invitae), Labcorp
Classification: Uncertain significance for Familial adenomatous polyposis 1. Last evaluated: 2025-12-10. Review status: criteria provided, single submitter. Criteria: Invitae Variant Classification Sherloc (09022015). Collection method: clinical testing. Allele origin: germline.
Comment: This sequence change replaces proline, which is neutral and non-polar, with threonine, which is neutral and polar, at codon 1691 of the APC protein (p.Pro1691Thr). This variant is not present in population databases (gnomAD no frequency). This variant has not been reported in the literature in individuals affected with APC-related conditions. ClinVar contains an entry for this variant (Variation ID: 419787). Invitae Evidence Modeling of protein sequence and biophysical properties (such as structural, functional, and spatial information, amino acid conservation, physicochemical variation, residue mobility, and thermodynamic stability) indicates that this missense variant is not expected to disrupt APC protein function with a negative predictive value of 95%. In summary, the available evidence is currently insufficient to determine the role of this variant in disease. Therefore, it has been classified as a Variant of Uncertain Significance.

Color Diagnostics, LLC DBA Color Health
Classification: Uncertain significance for Hereditary cancer-predisposing syndrome. Last evaluated: 2025-08-10. Review status: criteria provided, single submitter. Criteria: ACMG Guidelines, 2015. Collection method: clinical testing. Allele origin: germline.
Comment: This missense variant replaces proline with threonine at codon 1691 of the APC protein. Computational prediction suggests that this variant may not impact protein structure and function. To our knowledge, functional studies have not been reported for this variant. This variant has not been reported in individuals affected with APC-related disorders in the literature. This variant has not been identified in the general population by the Genome Aggregation Database (gnomAD). The available evidence is insufficient to determine the role of this variant in disease conclusively. Therefore, this variant is classified as a Variant of Uncertain Significance.

Ambry Genetics
Classification: Uncertain significance for Hereditary cancer-predisposing syndrome. Last evaluated: 2024-11-13. Review status: criteria provided, single submitter. Criteria: Ambry Variant Classification Scheme 2023. Collection method: clinical testing. Allele origin: germline.
Comment: The p.P1691T variant (also known as c.5071C>A), located in coding exon 15 of the APC gene, results from a C to A substitution at nucleotide position 5071. The proline at codon 1691 is replaced by threonine, an amino acid with highly similar properties. Missense alterations in APC are not a common cause of disease (Spier I et al. Genet Med. 2024 Feb;26(2):100992). This amino acid position is well conserved in available vertebrate species. In addition, in silico predictors for this gene do not accurately predict pathogenicity. Since supporting evidence is limited at this time, the clinical significance of this alteration remains unclear.

Baylor Genetics
Classification: Uncertain significance for Familial adenomatous polyposis 1. Last evaluated: 2023-09-05. Review status: criteria provided, single submitter. Criteria: ACMG Guidelines, 2015. Collection method: clinical testing. Allele origin: unknown.

GeneDx
Classification: Uncertain significance. Last evaluated: 2022-06-29. Review status: criteria provided, single submitter. Criteria: GeneDx Variant Classification Process June 2021. Collection method: clinical testing. Allele origin: germline. Affected: yes.
Comment: Not observed at significant frequency in large population cohorts (gnomAD); In silico analysis supports that this missense variant does not alter protein structure/function; Has not been previously published as pathogenic or benign to our knowledge; This variant is associated with the following publications: (PMID: 18199528)